The following is an entry in ClinVar:

ClinVar aggregate classification (germline): Uncertain significance. Review status: criteria provided, multiple submitters, no conflicts (2 of 4 stars). 3 submissions from 3 submitters: Uncertain significance (3). Last evaluated 2025-10-22.

Conditions:
Familial melanoma. Also called: Hereditary melanoma; Hereditary cutaneous melanoma. Identifiers: Orphanet 618, MedGen C1512419, MONDO:0018961.
Hereditary cancer-predisposing syndrome. Also called: Hereditary Cancer Syndrome; Hereditary neoplastic syndrome; Tumor predisposition; Neoplastic Syndromes, Hereditary. Identifiers: Orphanet 140162, MedGen C0027672, MeSH D009386, MONDO:0015356.

Allele frequency attached by ClinVar (database versions not stated): gnomAD exomes 0.00001.
gnomAD v4.1: 3 of 1,614,072 alleles (0.00019%); highest among the groups gnomAD compares: Non-Finnish European, 0.00025%; no homozygotes.

Submissions (3):

Ambry Genetics
Classification: Uncertain significance for Hereditary cancer-predisposing syndrome. Last evaluated: 2025-10-22. Review status: criteria provided, single submitter. Criteria: Ambry Variant Classification Scheme 2023. Collection method: clinical testing. Allele origin: germline.
Comment: The p.P254S variant (also known as c.760C>T), located in coding exon 6 of the CDK4 gene, results from a C to T substitution at nucleotide position 760. The proline at codon 254 is replaced by serine, an amino acid with similar properties. This amino acid position is conserved. In addition, this alteration is predicted to be tolerated by in silico analysis. Since supporting evidence is limited at this time, the clinical significance of this alteration remains unclear.

Labcorp Genetics (formerly Invitae), Labcorp
Classification: Uncertain significance for Familial melanoma. Last evaluated: 2024-10-16. Review status: criteria provided, single submitter. Criteria: Invitae Variant Classification Sherloc (09022015). Collection method: clinical testing. Allele origin: germline.
Comment: This sequence change replaces proline, which is neutral and non-polar, with serine, which is neutral and polar, at codon 254 of the CDK4 protein (p.Pro254Ser). This variant is not present in population databases (gnomAD no frequency). This variant has not been reported in the literature in individuals affected with CDK4-related conditions. ClinVar contains an entry for this variant (Variation ID: 127519). Invitae Evidence Modeling of protein sequence and biophysical properties (such as structural, functional, and spatial information, amino acid conservation, physicochemical variation, residue mobility, and thermodynamic stability) indicates that this missense variant is not expected to disrupt CDK4 protein function with a negative predictive value of 95%. In summary, the available evidence is currently insufficient to determine the role of this variant in disease. Therefore, it has been classified as a Variant of Uncertain Significance.

GeneDx
Classification: Uncertain significance. Last evaluated: 2024-07-15. Review status: criteria provided, single submitter. Criteria: GeneDx Variant Classification Process June 2021. Collection method: clinical testing. Allele origin: germline. Affected: yes.
Comment: Not observed at significant frequency in large population cohorts (gnomAD); In silico analysis indicates that this missense variant does not alter protein structure/function; Has not been previously published as pathogenic or benign to our knowledge

NM_000075.4(CDK4):c.760C>T (p.Pro254Ser)

Genes: TSPAN31 (tetraspanin 31; plus strand), CDK4 (cyclin dependent kinase 4; minus strand). Cytogenetic location: 12q14.1.
Variant type: single nucleotide variant.
Coding change: c.760C>T on transcript NM_000075.4 (MANE Select); coding-DNA position 760, C replaced by T.
Protein change: p.Pro254Ser; replaces proline 254 with serine.
Molecular consequence: missense variant. On other transcripts: 3 prime UTR variant (3).
Genome position (GRCh38, 1-based): chr12:57,749,241, G>A on the plus strand (C>T on the coding strand, the complement: CDK4 is on the minus strand). VCF-style: chr12-57749241-G-A. GRCh37 (hg19) VCF-style: chr12-58143024-G-A.
Other names: p.P254S:CCC>TCC; c.*1951G>A (NM_001330168.2, NM_001330169.2, NM_005981.5); short protein forms P254S.
Identifiers: ClinVar variation 127519 (VCV000127519.9), dbSNP rs587779896, ClinGen allele CA287151.